The following is an entry in ClinVar:

NM_052845.4(MMAB):c.248T>C (p.Phe83Ser)

Gene: MMAB (metabolism of cobalamin associated B; minus strand). Cytogenetic location: 12q24.11.
Variant type: single nucleotide variant.
Coding change: c.248T>C on transcript NM_052845.4 (MANE Select); coding-DNA position 248, T replaced by C.
Protein change: p.Phe83Ser; replaces phenylalanine 83 with serine.
Molecular consequence: missense variant. On other transcripts: non-coding transcript variant (1).
Genome position (GRCh38, 1-based): chr12:109,568,812, A>G on the plus strand (T>C on the coding strand, the complement: MMAB is on the minus strand). VCF-style: chr12-109568812-A-G. GRCh37 (hg19) VCF-style: chr12-110006617-A-G.
Other names: short protein forms F83S.
Identifiers: ClinVar variation 1007490 (VCV001007490.6), dbSNP rs1185132313, ClinGen allele CA386639576.

ClinVar aggregate classification (germline): Uncertain significance (1 of 4 stars; one submission).

Conditions:
Methylmalonic aciduria, cblB type (MACB). Also called: Methylmalonic acidemia cblB type; Vitamin B12-responsive methylmalonic acidemia type cblB; METHYLMALONIC ACIDURIA, VITAMIN B12-RESPONSIVE, DUE TO DEFECT IN SYNTHESIS OF ADENOSYLCOBALAMIN, cblB TYPE. Identifiers: Orphanet 28, Orphanet 79311, MedGen C1855102, MONDO:0009614, OMIM 251110.

Allele frequency attached by ClinVar (database versions not stated): gnomAD exomes below 0.00001; TOPMed below 0.00001.
gnomAD v4.1: 1 of 1,614,262 alleles (0.000062%); highest among the groups gnomAD compares: African/African-American, 0.0013%; no homozygotes.

Submission:

Labcorp Genetics (formerly Invitae), Labcorp
Classification: Uncertain significance for Methylmalonic aciduria, cblB type. Last evaluated: 2021-09-01. Review status: criteria provided, single submitter. Criteria: Invitae Variant Classification Sherloc (09022015). Collection method: clinical testing. Allele origin: germline.
Comment: This sequence change replaces phenylalanine with serine at codon 83 of the MMAB protein (p.Phe83Ser). The phenylalanine residue is highly conserved and there is a large physicochemical difference between phenylalanine and serine. This variant is not present in population databases (ExAC no frequency). This variant has not been reported in the literature in individuals affected with MMAB-related conditions. Algorithms developed to predict the effect of missense changes on protein structure and function are either unavailable or do not agree on the potential impact of this missense change (SIFT: "Deleterious"; PolyPhen-2: "Probably Damaging"; Align-GVGD: "Class C0"). Experimental studies have shown that this missense change affects MMAB function (PMID: 18251506). In summary, the available evidence is currently insufficient to determine the role of this variant in disease. Therefore, it has been classified as a Variant of Uncertain Significance.

Literature cited by the submitters: PubMed 18251506.